The following is an entry in ClinVar:

NM_004385.5(VCAN):c.2131C>T (p.Pro711Ser)

Gene: VCAN (versican; plus strand). Cytogenetic location: 5q14.3.
Variant type: single nucleotide variant.
Coding change: c.2131C>T on transcript NM_004385.5 (MANE Select); coding-DNA position 2131, C replaced by T.
Protein change: p.Pro711Ser; replaces proline 711 with serine.
Molecular consequence: missense variant. On other transcripts: intron variant (2).
Genome position (GRCh38, 1-based): chr5:83,520,437, C>T. VCF-style: chr5-83520437-C-T. GRCh37 (hg19) VCF-style: chr5-82816256-C-T.
Other names: c.2131C>T, p.Pro711Ser (NM_001164098.2); c.1042+8041C>T (NM_001164097.2, NM_001126336.3); short protein forms P711S.
Identifiers: ClinVar variation 944472 (VCV000944472.9), dbSNP rs764898262, ClinGen allele CA3332792.

ClinVar aggregate classification (germline): Conflicting classifications of pathogenicity. Review status: criteria provided, conflicting classifications (1 of 4 stars). 3 submissions from 3 submitters: Uncertain significance (1); Likely benign (2). Last evaluated 2025-11-24.

Conditions:
Inborn genetic diseases. Identifiers: MedGen C0950123, MeSH D030342.

Allele frequency attached by ClinVar (database versions not stated): TOPMed below 0.00001; gnomAD exomes 0.00001; ExAC 0.00002; gnomAD 0.00003.
gnomAD v4.1: 15 of 1,613,736 alleles (0.00093%); highest among the groups gnomAD compares: Non-Finnish European, 0.0013%; no homozygotes.

Submissions (3):

Labcorp Genetics (formerly Invitae), Labcorp
Classification: Uncertain significance. Last evaluated: 2025-11-24. Review status: criteria provided, single submitter. Criteria: Invitae Variant Classification Sherloc (09022015). Collection method: clinical testing. Allele origin: germline.
Comment: This sequence change replaces proline, which is neutral and non-polar, with serine, which is neutral and polar, at codon 711 of the VCAN protein (p.Pro711Ser). This variant is present in population databases (rs764898262, gnomAD 0.006%). This missense change has been observed in individual(s) with VCAN-related conditions (internal data). ClinVar contains an entry for this variant (Variation ID: 944472). An algorithm developed to predict the effect of missense changes on protein structure and function outputs the following: PolyPhen-2: "Benign". The serine amino acid residue is found in multiple mammalian species, which suggests that this missense change does not adversely affect protein function. In summary, the available evidence is currently insufficient to determine the role of this variant in disease. Therefore, it has been classified as a Variant of Uncertain Significance.

Ambry Genetics
Classification: Likely benign for Inborn genetic diseases. Last evaluated: 2024-02-28. Review status: criteria provided, single submitter. Criteria: Ambry Variant Classification Scheme 2023. Collection method: clinical testing. Allele origin: germline.

Blueprint Genetics
Classification: Likely benign. Last evaluated: 2023-09-07. Review status: criteria provided, single submitter. Criteria: ACMG Guidelines, 2015. Collection method: clinical testing. Allele origin: germline.